The following is an entry in ClinVar:

ClinVar aggregate classification (germline): Uncertain significance. Review status: criteria provided, single submitter (1 of 4 stars). 2 submissions from 2 submitters: Uncertain significance (1). 1 of the submissions does not count toward it. Last evaluated 2022-08-03.

Conditions:
Glycogen storage disease, type II (IOPD). Also called: Glucosidase acid-1,4-alpha deficiency; Pompe Disease; GLYCOGENOSIS, GENERALIZED, CARDIAC FORM; GSD II; Glycogen storage disease type 2; Acid maltase deficiency disease. Identifiers: Orphanet 365, MedGen C0017921, MONDO:0009290, OMIM 232300.

Allele frequency attached by ClinVar (database versions not stated): gnomAD 0.00001 and 0.00002; gnomAD exomes 0.00001; ExAC 0.00002; TOPMed 0.00005.

Submissions (2):

Labcorp Genetics (formerly Invitae), Labcorp
Classification: Uncertain significance for Glycogen storage disease, type II. Last evaluated: 2022-08-03. Review status: criteria provided, single submitter. Criteria: Invitae Variant Classification Sherloc (09022015). Collection method: clinical testing. Allele origin: germline.
Comment: This sequence change falls in intron 9 of the GAA gene. It does not directly change the encoded amino acid sequence of the GAA protein. It affects a nucleotide within the consensus splice site. This variant is present in population databases (rs754249803, gnomAD 0.02%). This variant has not been reported in the literature in individuals affected with GAA-related conditions. ClinVar contains an entry for this variant (Variation ID: 969370). Variants that disrupt the consensus splice site are a relatively common cause of aberrant splicing (PMID: 17576681, 9536098). Algorithms developed to predict the effect of sequence changes on RNA splicing suggest that this variant is not likely to affect RNA splicing. In summary, the available evidence is currently insufficient to determine the role of this variant in disease. Therefore, it has been classified as a Variant of Uncertain Significance.

Natera, Inc.
Classification: Uncertain significance for Glycogen storage disease type II. Last evaluated: 2021-06-07. Review status: no assertion criteria provided. Collection method: clinical testing. Allele origin: germline. Not counted in ClinVar's aggregate classification.

Literature cited by the submitters: PubMed 17576681 (cited by Labcorp Genetics (formerly Invitae), Labcorp); PubMed 9536098 (cited by Labcorp Genetics (formerly Invitae), Labcorp).

NM_000152.5(GAA):c.1437+6G>A

Gene: GAA (alpha glucosidase; plus strand). Cytogenetic location: 17q25.3.
Variant type: single nucleotide variant.
Coding change: c.1437+6G>A on transcript NM_000152.5 (MANE Select); 6 bases into the intron after coding-DNA position 1437, G replaced by A.
Molecular consequence: intron variant.
Genome position (GRCh38, 1-based): chr17:80,110,061, G>A. VCF-style: chr17-80110061-G-A. GRCh37 (hg19) VCF-style: chr17-78083860-G-A.
Other names: c.1437+6G>A (NM_001079803.3, NM_001079804.3).
Identifiers: ClinVar variation 969370 (VCV000969370.11), dbSNP rs754249803, ClinGen allele CA8815318.